The following is an entry in ClinVar:

ClinVar aggregate classification (germline): Pathogenic (1 of 4 stars; one submission).

Conditions:
Gorlin syndrome. Also called: Nevoid Basal Cell Carcinoma Syndrome; Basal cell nevus syndrome. Identifiers: Orphanet 377, MedGen C0004779, MONDO:0007187.

Submission:

Labcorp Genetics (formerly Invitae), Labcorp
Classification: Pathogenic for Gorlin syndrome. Last evaluated: 2023-03-17. Review status: criteria provided, single submitter. Criteria: Invitae Variant Classification Sherloc (09022015). Collection method: clinical testing. Allele origin: germline.
Comment: For these reasons, this variant has been classified as Pathogenic. This variant has not been reported in the literature in individuals affected with PTCH1-related conditions. This variant is not present in population databases (gnomAD no frequency). This sequence change creates a premature translational stop signal (p.Lys542*) in the PTCH1 gene. It is expected to result in an absent or disrupted protein product. Loss-of-function variants in PTCH1 are known to be pathogenic (PMID: 16301862, 16419085).

Literature cited by the submitters: PubMed 16301862; PubMed 16419085.

NM_000264.5(PTCH1):c.1624A>T (p.Lys542Ter)

Gene: PTCH1 (patched 1; minus strand). Cytogenetic location: 9q22.32.
Variant type: single nucleotide variant.
Coding change: c.1624A>T on transcript NM_000264.5 (MANE Select); coding-DNA position 1624, A replaced by T.
Protein change: p.Lys542Ter; replaces lysine 542 with a stop codon.
Molecular consequence: nonsense. On other transcripts: non-coding transcript variant (1).
Genome position (GRCh38, 1-based): chr9:95,476,138, T>A on the plus strand (A>T on the coding strand, the complement: PTCH1 is on the minus strand). VCF-style: chr9-95476138-T-A. GRCh37 (hg19) VCF-style: chr9-98238420-T-A.
Other names: c.1426A>T, p.Lys476Ter (NM_001083602.3); c.1621A>T, p.Lys541Ter (NM_001083603.3); c.1171A>T, p.Lys391Ter (NM_001083604.3, NM_001083605.3, NM_001083606.3 and 1 more transcripts); c.1468A>T, p.Lys490Ter (NM_001354918.2); short protein forms K490*, K391*, K476*, K542*, K541*.
Identifiers: ClinVar variation 2846751 (VCV002846751.3), dbSNP rs2118259496, ClinGen allele CA374118080.